The following is an entry in ClinVar:

ClinVar aggregate classification (germline): Pathogenic (1 of 4 stars; one submission).

Conditions:
Hereditary breast ovarian cancer syndrome. Also called: Hereditary breast and/or ovarian cancer syndrome; Hereditary breast and ovarian cancer syndrome (HBOC); Breast and ovarian cancer; Hereditary breast and ovarian cancer syndrome; Hereditary breast and ovarian cancer; BRCA1- and BRCA2-Associated Hereditary Breast and Ovarian Cancer. Identifiers: Orphanet 145, MedGen C0677776, MeSH D061325, MONDO:0003582. Disease mechanism: loss of function.

Submission:

Labcorp Genetics (formerly Invitae), Labcorp
Classification: Pathogenic for Hereditary breast ovarian cancer syndrome. Last evaluated: 2024-11-05. Review status: criteria provided, single submitter. Criteria: Invitae Variant Classification Sherloc (09022015). Collection method: clinical testing. Allele origin: germline.
Comment: This sequence change creates a premature translational stop signal (p.Arg71Glufs*9) in the BRCA1 gene. It is expected to result in an absent or disrupted protein product. Loss-of-function variants in BRCA1 are known to be pathogenic (PMID: 20104584). This variant is not present in population databases (gnomAD no frequency). This variant has not been reported in the literature in individuals affected with BRCA1-related conditions. ClinVar contains an entry for this variant (Variation ID: 2703032). For these reasons, this variant has been classified as Pathogenic.

Literature cited by the submitters: PubMed 20104584.

NM_007294.4(BRCA1):c.210_211del (p.Arg71fs)

Gene: BRCA1 (BRCA1 DNA repair associated; minus strand). Cytogenetic location: 17q21.31.
Variant type: Deletion.
Coding change: c.210_211del on transcript NM_007294.4 (MANE Select); coding-DNA positions 210 to 211, 2 bases deleted (AA; older notation c.210_211delAA).
Protein change: p.Arg71fs; shifts the reading frame from arginine 71.
Molecular consequence: frameshift variant. On other transcripts: intron variant (95).
Genome position (GRCh38, 1-based): chr17:43,106,457-43,106,458, TT deleted on the plus strand (AA on the coding strand, the reverse complement: BRCA1 is on the minus strand); deleting any 2 consecutive bases within chr17:43,106,457-43,106,460 gives the same sequence; the c. name uses the placement nearest the transcript's 3' end. VCF-style (leftmost placement, unchanged base first): chr17-43106456-CTT-C. GRCh37 (hg19) VCF-style: chr17-41258473-CTT-C.
Other names: c.69_70del, p.Arg24fs (NM_001407842.1, NM_001407843.1, NM_001407844.1 and 99 more transcripts); c.210_211del, p.Arg71fs (NM_001407581.1, NM_001407582.1, NM_001407583.1 and 167 more transcripts); c.208_209delAA, p.Arg71Glufs (NM_007304.2); c.-218-11598_-218-11597del (NM_001407967.1, NM_001407966.1); c.-169-1502_-169-1501del (NM_001407959.1, NM_001407962.1, NM_001408512.1 and 4 more transcripts); c.2+20_2+21del (NM_001407885.1, NM_001407886.1, NM_001407898.1 and 58 more transcripts); c.81-1502_81-1501del (NM_001408451.1); c.135-1502_135-1501del (NM_001408475.1, NM_001407875.1, NM_001407659.1 and 21 more transcripts); short protein forms R24fs, R71fs.
Identifiers: ClinVar variation 2703032 (VCV002703032.3), dbSNP rs397508938, ClinGen allele CA2697559896.